The following is an entry in ClinVar:

ClinVar aggregate classification (germline): Likely benign. Review status: criteria provided, multiple submitters, no conflicts (2 of 4 stars). 5 submissions from 5 submitters: Likely benign (4). 1 of the submissions does not count toward it. Last evaluated 2026-01-29.

Conditions:
Severe combined immunodeficiency, autosomal recessive, T cell-negative, B cell-negative, NK cell-negative, due to adenosine deaminase deficiency. Also called: SCID DUE TO ADA DEFICIENCY; SCID DUE TO ADA DEFICIENCY, EARLY-ONSET; ADA-SCID; ADA deficiency; Adenosine deaminase deficient severe combined immunodeficiency; Severe combined immunodeficiency due to ADA deficiency. Identifiers: Orphanet 277, MedGen C0392607, MONDO:0007064, OMIM 102700.

Allele frequency attached by ClinVar (database versions not stated): TOPMed 0.00016; 1000 Genomes Project 0.00020; ExAC 0.00021; gnomAD exomes 0.00023; gnomAD 0.00029; 1000 Genomes Project 30x 0.00031; ESP Exome Variant Server 0.00054.

Submissions (5):

Labcorp Genetics (formerly Invitae), Labcorp
Classification: Likely benign for Severe combined immunodeficiency, autosomal recessive, T cell-negative, B cell-negative, NK cell-negative, due to adenosine deaminase deficiency. Last evaluated: 2026-01-29. Review status: criteria provided, single submitter. Criteria: Invitae Variant Classification Sherloc (09022015). Collection method: clinical testing. Allele origin: germline.

Mayo Clinic Laboratories, Mayo Clinic
Classification: Likely benign. Last evaluated: 2025-05-07. Review status: criteria provided, single submitter. Criteria: ACMG Guidelines, 2015. Collection method: clinical testing. Allele origin: germline. Observed: 1 variant allele.
Comment: BP4, BP7

Blueprint Genetics
Classification: Likely benign. Last evaluated: 2024-11-06. Review status: criteria provided, single submitter. Criteria: ACMG Guidelines, 2015. Collection method: clinical testing. Allele origin: germline.

Genetic Services Laboratory, University of Chicago
Classification: Likely benign. Last evaluated: 2021-06-04. Review status: criteria provided, single submitter. Criteria: ACMG Guidelines, 2015. Collection method: clinical testing. Allele origin: germline. Affected: no.

Natera, Inc.
Classification: Uncertain significance for Severe combined immunodeficiency due to ADA deficiency. Last evaluated: 2020-01-24. Review status: no assertion criteria provided. Collection method: clinical testing. Allele origin: germline. Not counted in ClinVar's aggregate classification.

NM_000022.4(ADA):c.975+8G>A

Gene: ADA (adenosine deaminase; minus strand). Cytogenetic location: 20q13.12.
Variant type: single nucleotide variant.
Coding change: c.975+8G>A on transcript NM_000022.4 (MANE Select); 8 bases into the intron after coding-DNA position 975, G replaced by A.
Molecular consequence: intron variant.
Genome position (GRCh38, 1-based): chr20:44,621,010, C>T on the plus strand (G>A on the coding strand, the complement: ADA is on the minus strand). VCF-style: chr20-44621010-C-T. GRCh37 (hg19) VCF-style: chr20-43249651-C-T.
Other names: p.?; c.570+8G>A (NM_001322050.2); c.903+8G>A (NM_001322051.2).
Identifiers: ClinVar variation 703555 (VCV000703555.17), dbSNP rs192148185, ClinGen allele CA9871454.